The following is an entry in ClinVar:

NM_002181.4(IHH):c.683G>A (p.Arg228His)

Gene: IHH (Indian hedgehog signaling molecule; minus strand). Cytogenetic location: 2q35.
Variant type: single nucleotide variant.
Coding change: c.683G>A on transcript NM_002181.4 (MANE Select); coding-DNA position 683, G replaced by A.
Protein change: p.Arg228His; replaces arginine 228 with histidine.
Molecular consequence: missense variant.
Genome position (GRCh38, 1-based): chr2:219,055,760, C>T on the plus strand (G>A on the coding strand, the complement: IHH is on the minus strand). VCF-style: chr2-219055760-C-T. GRCh37 (hg19) VCF-style: chr2-219920482-C-T.
Other names: short protein forms R228H.
Identifiers: ClinVar variation 1017492 (VCV001017492.9), dbSNP rs753334217, ClinGen allele CA2116633.
Genomic context (GRCh38, chr2:219,055,760, plus strand): 5'-TCCAGGAAAATGAGCACATCGCTGAAGGTGGGGCTCCCATCCTCCCCCATGGCCAGCACA[C>T]GGTCTCCCGGCCTCACGGCTGACAAGGCCACACGCGCCCCACTCTCCAGGCGTACCTGGG-3'
Protein context (NP_002172.2, residues 218-238): VALSAVRPGD[Arg228His]VLAMGEDGSP

ClinVar aggregate classification (germline): Uncertain significance. Review status: criteria provided, multiple submitters, no conflicts (2 of 4 stars). 2 submissions from 2 submitters: Uncertain significance (2). Last evaluated 2022-07-25.

Allele frequency attached by ClinVar (database versions not stated): ExAC 0.00001; gnomAD 0.00001; gnomAD exomes 0.00001; TOPMed 0.00001.
gnomAD v4.1: 10 of 1,613,698 alleles (0.00062%); highest among the groups gnomAD compares: South Asian, 0.0022%; no homozygotes.

Submissions (2):

Labcorp Genetics (formerly Invitae), Labcorp
Classification: Uncertain significance. Last evaluated: 2022-07-25. Review status: criteria provided, single submitter. Criteria: Invitae Variant Classification Sherloc (09022015). Collection method: clinical testing. Allele origin: germline.
Comment: In summary, the available evidence is currently insufficient to determine the role of this variant in disease. Therefore, it has been classified as a Variant of Uncertain Significance. Algorithms developed to predict the effect of missense changes on protein structure and function (SIFT, PolyPhen-2, Align-GVGD) all suggest that this variant is likely to be tolerated. ClinVar contains an entry for this variant (Variation ID: 1017492). This variant has not been reported in the literature in individuals affected with IHH-related conditions. This variant is present in population databases (rs753334217, gnomAD 0.002%). This sequence change replaces arginine, which is basic and polar, with histidine, which is basic and polar, at codon 228 of the IHH protein (p.Arg228His).

Blueprint Genetics
Classification: Uncertain significance. Last evaluated: 2021-10-29. Review status: criteria provided, single submitter. Criteria: ACMG Guidelines, 2015. Collection method: clinical testing. Allele origin: germline.